The following is an entry in ClinVar:

NM_020964.3(EPG5):c.5639C>A (p.Ser1880Tyr)

Gene: EPG5 (ectopic P-granules 5 autophagy tethering factor; minus strand). Cytogenetic location: 18q12.3.
Variant type: single nucleotide variant.
Coding change: c.5639C>A on transcript NM_020964.3 (MANE Select); coding-DNA position 5639, C replaced by A.
Protein change: p.Ser1880Tyr; replaces serine 1880 with tyrosine.
Molecular consequence: missense variant.
Genome position (GRCh38, 1-based): chr18:45,880,103, G>T on the plus strand (C>A on the coding strand, the complement: EPG5 is on the minus strand). VCF-style: chr18-45880103-G-T. GRCh37 (hg19) VCF-style: chr18-43460068-G-T.
Other names: c.5639C>A, p.Ser1880Tyr (NM_001410858.1, NM_001410859.1); short protein forms S1880Y.
Identifiers: ClinVar variation 4743031 (VCV004743031.1).

ClinVar aggregate classification (germline): Uncertain significance (1 of 4 stars; one submission).

Conditions:
Vici syndrome (VICIS). Identifiers: Orphanet 1493, MedGen C1855772, MONDO:0009452, OMIM 242840.

Submission:

Labcorp Genetics (formerly Invitae), Labcorp
Classification: Uncertain significance for Vici syndrome. Last evaluated: 2025-08-17. Review status: criteria provided, single submitter. Criteria: Invitae Variant Classification Sherloc (09022015). Collection method: clinical testing. Allele origin: germline.
Comment: This sequence change replaces serine, which is neutral and polar, with tyrosine, which is neutral and polar, at codon 1880 of the EPG5 protein (p.Ser1880Tyr). The frequency data for this variant in the population databases is considered unreliable, as metrics indicate poor data quality at this position in the gnomAD database. This variant has not been reported in the literature in individuals affected with EPG5-related conditions. Invitae Evidence Modeling of protein sequence and biophysical properties (such as structural, functional, and spatial information, amino acid conservation, physicochemical variation, residue mobility, and thermodynamic stability) indicates that this missense variant is not expected to disrupt EPG5 protein function with a negative predictive value of 80%. In summary, the available evidence is currently insufficient to determine the role of this variant in disease. Therefore, it has been classified as a Variant of Uncertain Significance.